The following is an entry in ClinVar:

ClinVar aggregate classification (germline): Uncertain significance (1 of 4 stars; one submission).

Conditions:
Familial thoracic aortic aneurysm and aortic dissection (TAAD). Also called: Thoracic aortic aneurysms and dissections. Identifiers: Orphanet 91387, MedGen C4707243, MONDO:0019625.

Submission:

Labcorp Genetics (formerly Invitae), Labcorp
Classification: Uncertain significance for Familial thoracic aortic aneurysm and aortic dissection. Last evaluated: 2025-05-08. Review status: criteria provided, single submitter. Criteria: Invitae Variant Classification Sherloc (09022015). Collection method: clinical testing. Allele origin: germline.
Comment: This sequence change replaces leucine, which is neutral and non-polar, with phenylalanine, which is neutral and non-polar, at codon 366 of the SMAD3 protein (p.Leu366Phe). This variant is not present in population databases (gnomAD no frequency). This variant has not been reported in the literature in individuals affected with SMAD3-related conditions. Invitae Evidence Modeling of protein sequence and biophysical properties (such as structural, functional, and spatial information, amino acid conservation, physicochemical variation, residue mobility, and thermodynamic stability) indicates that this missense variant is expected to disrupt SMAD3 protein function with a positive predictive value of 80%. In summary, the available evidence is currently insufficient to determine the role of this variant in disease. Therefore, it has been classified as a Variant of Uncertain Significance.

NM_005902.4(SMAD3):c.1098G>C (p.Leu366Phe)

Gene: SMAD3 (SMAD family member 3; plus strand). Cytogenetic location: 15q22.33.
Variant type: single nucleotide variant.
Coding change: c.1098G>C on transcript NM_005902.4 (MANE Select); coding-DNA position 1098, G replaced by C.
Protein change: p.Leu366Phe; replaces leucine 366 with phenylalanine.
Molecular consequence: missense variant.
Genome position (GRCh38, 1-based): chr15:67,187,453, G>C. VCF-style: chr15-67187453-G-C. GRCh37 (hg19) VCF-style: chr15-67479791-G-C.
Other names: c.783G>C, p.Leu261Phe (NM_001145102.2, NM_001407016.1); c.966G>C, p.Leu322Phe (NM_001145103.2, NM_001407012.1); c.513G>C, p.Leu171Phe (NM_001145104.2, NM_001407017.1); c.1209G>C, p.Leu403Phe (NM_001407011.1); c.960G>C, p.Leu320Phe (NM_001407013.1); c.951G>C, p.Leu317Phe (NM_001407014.1); c.651G>C, p.Leu217Phe (NM_001407015.1); short protein forms L261F, L317F, L320F, L217F, L171F, L322F, L366F, L403F.
Identifiers: ClinVar variation 4776228 (VCV004776228.1).